The following is an entry in ClinVar:

ClinVar aggregate classification (germline): Pathogenic (1 of 4 stars; one submission).

Conditions:
Early-infantile DEE. Also called: Early infantile epileptic encephalopathy with suppression bursts; Early infantile epileptic encephalopathy; Ohtahara syndrome. Identifiers: Orphanet 1934, MedGen C0393706, MONDO:0800491.

Allele frequency attached by ClinVar (database versions not stated): gnomAD 0.00001; 1000 Genomes Project 30x 0.00016.
gnomAD v4.1: 1 of 1,613,298 alleles (0.000062%); highest among the groups gnomAD compares: South Asian, 0.0011%; no homozygotes.

Submission:

Labcorp Genetics (formerly Invitae), Labcorp
Classification: Pathogenic for Early-infantile DEE. Last evaluated: 2022-04-22. Review status: criteria provided, single submitter. Criteria: Invitae Variant Classification Sherloc (09022015). Collection method: clinical testing. Allele origin: germline.
Comment: This sequence change falls in intron 16 of the SCN1A gene. It does not directly change the encoded amino acid sequence of the SCN1A protein. It affects a nucleotide within the consensus splice site. This variant is not present in population databases (gnomAD no frequency). This variant has been observed in individual(s) with clinical features of SCN1A-related conditions (PMID: 18930999, 31864146). In at least one individual the variant was observed to be de novo. Variants that disrupt the consensus splice site are a relatively common cause of aberrant splicing (PMID: 17576681, 9536098). Algorithms developed to predict the effect of sequence changes on RNA splicing suggest that this variant may create or strengthen a splice site. For these reasons, this variant has been classified as Pathogenic.

Literature cited by the submitters: PubMed 18930999; PubMed 31864146; PubMed 17576681; PubMed 9536098.

NM_001165963.4(SCN1A):c.3429+5G>A

Genes: SCN1A (sodium voltage-gated channel alpha subunit 1; minus strand), LOC102724058 (uncharacterized LOC102724058; plus strand). Cytogenetic location: 2q24.3.
Variant type: single nucleotide variant.
Coding change: c.3429+5G>A on transcript NM_001165963.4 (MANE Select); 5 bases into the intron after coding-DNA position 3429, G replaced by A.
Molecular consequence: intron variant.
Genome position (GRCh38, 1-based): chr2:166,036,043, C>T on the plus strand (G>A on the coding strand, the complement: SCN1A is on the minus strand). VCF-style: chr2-166036043-C-T. GRCh37 (hg19) VCF-style: chr2-166892553-C-T.
Other names: c.3396+5G>A (NM_001353949.2, NM_001353950.2, NM_001353951.2 and 2 more transcripts); c.3345+5G>A (NM_001353958.2, NM_001353957.2, NM_001165964.3); c.3429+5G>A (NM_001202435.3, NM_001353948.2); c.3393+5G>A (NM_001353955.2, NM_001353954.2); c.3342+5G>A (NM_001353960.2); c.987+5G>A (NM_001353961.2).
Identifiers: ClinVar variation 2203190 (VCV002203190.4), dbSNP rs2105792738, ClinGen allele CA2580064286.
Genomic context (GRCh38, chr2:166,036,043, plus strand): 5'-TCTGTATGTGTGTATATGTATATATGTATATGTATTCATACCTTCCCACACCTATAGAAT[C>T]TTACCTCTTTGCTTTCTTCCAGATCCGATTCACTACTAAAGTCTTCCGTGTTTAAATTTT-3'